The following is an entry in ClinVar:

ClinVar aggregate classification (germline): Uncertain significance (0 of 4 stars; one submission).

Conditions:
VWA2-related disorder. Also called: VWA2-related condition.

Allele frequency attached by ClinVar (database versions not stated): gnomAD 0.00001; gnomAD exomes 0.00002; TOPMed 0.00002; ExAC 0.00007.
gnomAD v4.1: 33 of 1,613,716 alleles (0.002%); highest among the groups gnomAD compares: South Asian, 0.0055%; no homozygotes.

Submission:

PreventionGenetics, part of Exact Sciences
Classification: Uncertain significance for VWA2-related condition. Last evaluated: 2024-01-03. Review status: no assertion criteria provided. Collection method: clinical testing. Allele origin: germline.
Comment: The VWA2 c.1778C>T variant is predicted to result in the amino acid substitution p.Ala593Val. To our knowledge, this variant has not been reported in the literature. This variant is reported in 0.0065% of alleles in individuals of South Asian descent in gnomAD. At this time, the clinical significance of this variant is uncertain due to the absence of conclusive functional and genetic evidence.

NM_001272046.2(VWA2):c.1778C>T (p.Ala593Val)

Genes: AFAP1L2 (actin filament associated protein 1 like 2; minus strand), VWA2 (von Willebrand factor A domain containing 2; plus strand). Cytogenetic location: 10q25.3.
Variant type: single nucleotide variant.
Coding change: c.1778C>T on transcript NM_001272046.2 (MANE Select); coding-DNA position 1778, C replaced by T.
Protein change: p.Ala593Val; replaces alanine 593 with valine.
Molecular consequence: missense variant.
Genome position (GRCh38, 1-based): chr10:114,289,145, C>T. VCF-style: chr10-114289145-C-T. GRCh37 (hg19) VCF-style: chr10-116048904-C-T.
Other names: c.1778C>T, p.Ala593Val (NM_001320804.1); short protein forms A593V.
Identifiers: ClinVar variation 3032392 (VCV003032392.2), dbSNP rs775094333, ClinGen allele CA5700788.